The following is an entry in ClinVar:

NM_016169.4(SUFU):c.*1373C>T

Gene: SUFU (SUFU negative regulator of hedgehog signaling; plus strand). Cytogenetic location: 10q24.32.
Variant type: single nucleotide variant.
Coding change: c.*1373C>T on transcript NM_016169.4 (MANE Select); 1373 bases downstream of the stop codon, C replaced by T.
Molecular consequence: 3 prime UTR variant.
Genome position (GRCh38, 1-based): chr10:102,631,528, C>T. VCF-style: chr10-102631528-C-T. GRCh37 (hg19) VCF-style: chr10-104391285-C-T.
Identifiers: ClinVar variation 298588 (VCV000298588.6), dbSNP rs17114808, ClinGen allele CA10634402.

ClinVar aggregate classification (germline): Benign. Review status: criteria provided, multiple submitters, no conflicts (2 of 4 stars). 2 submissions from 2 submitters: Benign (2). Last evaluated 2018-01-13.

Conditions:
Medulloblastoma (MDB). Also called: Medulloblastoma, somatic; MEDULLOBLASTOMA PREDISPOSITION SYNDROME. Identifiers: Orphanet 616, MedGen C0025149, MeSH D008527, MONDO:0007959, OMIM 155255, HP:0002885.

Allele frequency attached by ClinVar (database versions not stated): gnomAD 0.14776; TOPMed 0.16605; 1000 Genomes Project 30x 0.24297; 1000 Genomes Project 0.24581.
gnomAD v4.1: 35,619 of 233,332 alleles (15%); highest among the groups gnomAD compares: East Asian, 45%; 3,987 homozygotes.

Submissions (2):

Illumina Laboratory Services, Illumina
Classification: Benign for Medulloblastoma. Last evaluated: 2018-01-13. Review status: criteria provided, single submitter. Criteria: ICSL Variant Classification Criteria 13 December 2019. Collection method: clinical testing. Allele origin: germline.
Comment: This variant was observed in the ICSL laboratory as part of a predisposition screen in an ostensibly healthy population. It had not been previously curated by ICSL or reported in the Human Gene Mutation Database (HGMD: prior to June 1st, 2018), and was therefore a candidate for classification through an automated scoring system. Utilizing variant allele frequency, disease prevalence and penetrance estimates, and inheritance mode, an automated score was calculated to assess if this variant is too frequent to cause the disease. Based on the score and internal cut-off values, a variant classified as benign is not then subjected to further curation. The score for this variant resulted in a classification of benign for this disease.

Breakthrough Genomics
Classification: Benign. Review status: criteria provided, single submitter. Criteria: ACMG Guidelines, 2015. Collection method: not provided. Allele origin: germline. Inheritance: Autosomal recessive inheritance. Affected: yes.